The following is an entry in ClinVar:

ClinVar aggregate classification (germline): Uncertain significance (1 of 4 stars; one submission).

Conditions:
Neurodevelopmental disorder with language delay and variable cognitive abnormalities (NEDLC). Identifiers: MedGen C5882689, MONDO:0957779, OMIM 620502.

gnomAD v4.1: 5 of 1,612,654 alleles (0.00031%); highest among the groups gnomAD compares: Non-Finnish European, 0.00042%; no homozygotes.

Submission:

OLLIN Analises Genomicas, OLLIN
Classification: Uncertain significance for Neurodevelopmental disorder with language delay and variable cognitive abnormalities. Last evaluated: 2025-05-27. Review status: criteria provided, single submitter. Criteria: ACMG Guidelines 2015 PMID 25741868. Collection method: clinical testing. Allele origin: germline. Affected: yes. Observed: 1 variant allele.
Comment: The missense variant (chr6:29623894A>G), located in exon 7 (of 23), described in gnomAD v4.1 non-UKB with an allele frequency of 0.00016%, is not reported in ClinVar nor in the scientific literature. In silico analysis predicts that this variant has a deleterious effect. This variant is in a known mutational hotspot. According to the currently available evidence, this variant has been classified as of uncertain significance (VUS) (PM1, PM2_P, PP3).

NM_001470.4(GABBR1):c.788T>C (p.Ile263Thr)

Gene: GABBR1 (gamma-aminobutyric acid type B receptor subunit 1; minus strand). Cytogenetic location: 6p22.1.
Variant type: single nucleotide variant.
Coding change: c.788T>C on transcript NM_001470.4 (MANE Select); coding-DNA position 788, T replaced by C.
Protein change: p.Ile263Thr; replaces isoleucine 263 with threonine.
Molecular consequence: missense variant.
Genome position (GRCh38, 1-based): chr6:29,623,894, A>G on the plus strand (T>C on the coding strand, the complement: GABBR1 is on the minus strand). VCF-style: chr6-29623894-A-G. GRCh37 (hg19) VCF-style: chr6-29591671-A-G.
Other names: c.257T>C, p.Ile86Thr (NM_001319053.2); c.437T>C, p.Ile146Thr (NM_021903.3); c.602T>C, p.Ile201Thr (NM_021904.4); short protein forms I146T, I201T, I263T, I86T.
Identifiers: ClinVar variation 4814131 (VCV004814131.1).